The following is an entry in ClinVar:

NM_000179.3(MSH6):c.1114T>C (p.Trp372Arg)

Gene: MSH6 (mutS homolog 6; plus strand). Cytogenetic location: 2p16.3.
Variant type: single nucleotide variant.
Coding change: c.1114T>C on transcript NM_000179.3 (MANE Select); coding-DNA position 1114, T replaced by C.
Protein change: p.Trp372Arg; replaces tryptophan 372 with arginine.
Molecular consequence: missense variant.
Genome position (GRCh38, 1-based): chr2:47,799,097, T>C. VCF-style: chr2-47799097-T-C. GRCh37 (hg19) VCF-style: chr2-48026236-T-C.
Other names: c.724T>C, p.Trp242Arg (NM_001281492.2); c.208T>C, p.Trp70Arg (NM_001281493.2, NM_001281494.2, NM_001406811.1 and 6 more transcripts); c.1210T>C, p.Trp404Arg (NM_001406795.1, NM_001406802.1); c.1114T>C, p.Trp372Arg (NM_001406796.1, NM_001406798.1, NM_001406800.1 and 4 more transcripts); c.817T>C, p.Trp273Arg (NM_001406797.1, NM_001406801.1, NM_001406805.1 and 10 more transcripts); c.589T>C, p.Trp197Arg (NM_001406799.1, NM_001406806.1, NM_001406807.1); c.1036T>C, p.Trp346Arg (NM_001406804.1); c.1120T>C, p.Trp374Arg (NM_001406813.1); and 1 more; short protein forms W372R, W374R, W242R, W404R, W316R, W346R, W197R, W273R.
Identifiers: ClinVar variation 1796025 (VCV001796025.3), dbSNP rs2530590199, ClinGen allele CA346741986.

ClinVar aggregate classification (germline): Uncertain significance. Review status: criteria provided, multiple submitters, no conflicts (2 of 4 stars). 2 submissions from 2 submitters: Uncertain significance (2). Last evaluated 2025-12-20.

Conditions:
Hereditary cancer-predisposing syndrome. Also called: Tumor predisposition; Hereditary Cancer Syndrome; Neoplastic Syndromes, Hereditary; Hereditary neoplastic syndrome. Identifiers: Orphanet 140162, MedGen C0027672, MeSH D009386, MONDO:0015356.
Hereditary nonpolyposis colorectal neoplasms. Identifiers: MedGen C0009405, MeSH D003123.

Submissions (2):

Labcorp Genetics (formerly Invitae), Labcorp
Classification: Uncertain significance for Hereditary nonpolyposis colorectal neoplasms. Last evaluated: 2025-12-20. Review status: criteria provided, single submitter. Criteria: Invitae Variant Classification Sherloc (09022015). Collection method: clinical testing. Allele origin: germline.
Comment: This sequence change replaces tryptophan, which is neutral and slightly polar, with arginine, which is basic and polar, at codon 372 of the MSH6 protein (p.Trp372Arg). This variant is not present in population databases (gnomAD no frequency). This variant has not been reported in the literature in individuals affected with MSH6-related conditions. ClinVar contains an entry for this variant (Variation ID: 1796025). Invitae Evidence Modeling of protein sequence and biophysical properties (such as structural, functional, and spatial information, amino acid conservation, physicochemical variation, residue mobility, and thermodynamic stability) indicates that this missense variant is expected to disrupt MSH6 protein function with a positive predictive value of 80%. Experimental studies have shown that this missense change affects MSH6 function (PMID: 31965077). In summary, the available evidence is currently insufficient to determine the role of this variant in disease. Therefore, it has been classified as a Variant of Uncertain Significance.

Ambry Genetics
Classification: Uncertain significance for Hereditary cancer-predisposing syndrome. Last evaluated: 2022-04-04. Review status: criteria provided, single submitter. Criteria: Ambry Variant Classification Scheme 2023. Collection method: clinical testing. Allele origin: germline.
Comment: The p.W372R variant (also known as c.1114T>C), located in coding exon 4 of the MSH6 gene, results from a T to C substitution at nucleotide position 1114. The tryptophan at codon 372 is replaced by arginine, an amino acid with dissimilar properties. This amino acid position is highly conserved in available vertebrate species. In addition, this alteration is predicted to be deleterious by in silico analysis. Since supporting evidence is limited at this time, the clinical significance of this alteration remains unclear.

Literature cited by the submitters: PubMed 31965077 (cited by Labcorp Genetics (formerly Invitae), Labcorp).